The following is an entry in ClinVar:

NM_000318.3(PEX2):c.769A>G (p.Ile257Val)

Gene: PEX2 (peroxisomal biogenesis factor 2; minus strand). Cytogenetic location: 8q21.13.
Variant type: single nucleotide variant.
Coding change: c.769A>G on transcript NM_000318.3 (MANE Select); coding-DNA position 769, A replaced by G.
Protein change: p.Ile257Val; replaces isoleucine 257 with valine.
Molecular consequence: missense variant.
Genome position (GRCh38, 1-based): chr8:76,983,410, T>C on the plus strand (A>G on the coding strand, the complement: PEX2 is on the minus strand). VCF-style: chr8-76983410-T-C. GRCh37 (hg19) VCF-style: chr8-77895646-T-C.
Other names: c.769A>G, p.Ile257Val (NM_001079867.2, NM_001172086.2, NM_001172087.2); short protein forms I257V.
Identifiers: ClinVar variation 363816 (VCV000363816.15), dbSNP rs199874465, ClinGen allele CA4788656.

ClinVar aggregate classification (germline): Uncertain significance. Review status: criteria provided, multiple submitters, no conflicts (2 of 4 stars). 5 submissions from 5 submitters: Uncertain significance (4). 1 of the submissions does not count toward it. Last evaluated 2024-12-26.

Conditions:
Zellweger spectrum disorders (ZS). Also called: Zellweger syndrome; Zellweger Spectrum Disorder; Zellweger Spectrum; Zellweger Spectrum Disorder (ZSD). Identifiers: Orphanet 912, MedGen C0043459, MONDO:0019609.
Inborn genetic diseases. Identifiers: MedGen C0950123, MeSH D030342.
Peroxisome biogenesis disorder 5B (PBD5B). Identifiers: Orphanet 44, MedGen C3542026, MONDO:0013933, OMIM 614867.
Peroxisome biogenesis disorder 5A (Zellweger) (PBD5A). Identifiers: Orphanet 912, MedGen C3553940, MONDO:0013932, OMIM 614866.

Allele frequency attached by ClinVar (database versions not stated): ExAC 0.00003; TOPMed 0.00006; gnomAD 0.00007; ESP Exome Variant Server 0.00008; 1000 Genomes Project 0.00020; 1000 Genomes Project 30x 0.00031.

Submissions (5):

Labcorp Genetics (formerly Invitae), Labcorp
Classification: Uncertain significance for Peroxisome biogenesis disorder 5A (Zellweger). Last evaluated: 2024-12-26. Review status: criteria provided, single submitter. Criteria: Invitae Variant Classification Sherloc (09022015). Collection method: clinical testing. Allele origin: germline.
Comment: This sequence change replaces isoleucine, which is neutral and non-polar, with valine, which is neutral and non-polar, at codon 257 of the PEX2 protein (p.Ile257Val). This variant is present in population databases (rs199874465, gnomAD 0.02%). This variant has not been reported in the literature in individuals affected with PEX2-related conditions. ClinVar contains an entry for this variant (Variation ID: 363816). Invitae Evidence Modeling of protein sequence and biophysical properties (such as structural, functional, and spatial information, amino acid conservation, physicochemical variation, residue mobility, and thermodynamic stability) indicates that this missense variant is not expected to disrupt PEX2 protein function with a negative predictive value of 80%. In summary, the available evidence is currently insufficient to determine the role of this variant in disease. Therefore, it has been classified as a Variant of Uncertain Significance.

Ambry Genetics
Classification: Uncertain significance for Inborn genetic diseases. Last evaluated: 2024-07-14. Review status: criteria provided, single submitter. Criteria: Ambry Variant Classification Scheme 2023. Collection method: clinical testing. Allele origin: germline.

Illumina Laboratory Services, Illumina
Classification: Uncertain significance for Peroxisome biogenesis disorder 5A (Zellweger). Last evaluated: 2018-01-13. Review status: criteria provided, single submitter. Criteria: ICSL Variant Classification Criteria 13 December 2019. Collection method: clinical testing. Allele origin: germline.

Mayo Clinic Laboratories, Mayo Clinic
Classification: Uncertain significance for Peroxisome biogenesis disorder 5A (Zellweger); Peroxisome biogenesis disorder 5B. Last evaluated: 2017-02-15. Review status: criteria provided, single submitter. Criteria: ACMG Guidelines, 2015. Collection method: clinical testing. Allele origin: paternal.

Natera, Inc.
Classification: Uncertain significance for Zellweger syndrome. Last evaluated: 2020-02-05. Review status: no assertion criteria provided. Collection method: clinical testing. Allele origin: germline. Not counted in ClinVar's aggregate classification.